The following is an entry in ClinVar:

ClinVar aggregate classification (germline): Likely benign (1 of 4 stars; one submission).

Allele frequency attached by ClinVar (database versions not stated): gnomAD exomes below 0.00001.
gnomAD v4.1: 7 of 1,614,014 alleles (0.00043%); highest among the groups gnomAD compares: Middle Eastern, 0.016%; no homozygotes.

Submission:

CeGaT Center for Human Genetics Tuebingen
Classification: Likely benign. Last evaluated: 2022-09-01. Review status: criteria provided, single submitter. Criteria: CeGaT Center For Human Genetics Tuebingen Variant Classification Criteria Version 2. Collection method: clinical testing. Allele origin: germline. Affected: yes. Observed: 1 variant allele.
Comment: MBD5: PM2:Supporting, BP4, BP7

NM_001378120.1(MBD5):c.2625T>C (p.Ala875=)

Gene: MBD5 (methyl-CpG binding domain protein 5; plus strand). Cytogenetic location: 2q23.1.
Variant type: single nucleotide variant.
Coding change: c.2625T>C on transcript NM_001378120.1 (MANE Select); coding-DNA position 2625, T replaced by C.
Protein change: p.Ala875=; no amino-acid change (alanine 875 retained).
Molecular consequence: synonymous variant.
Genome position (GRCh38, 1-based): chr2:148,483,216, T>C. VCF-style: chr2-148483216-T-C. GRCh37 (hg19) VCF-style: chr2-149240785-T-C.
Other names: c.2625T>C, p.Ala875= (NM_018328.5).
Identifiers: ClinVar variation 2651411 (VCV002651411.24), dbSNP rs2469973684, ClinGen allele CA429447735.